The following is an entry in ClinVar:

NM_000090.4(COL3A1):c.1480G>T (p.Ala494Ser)

Gene: COL3A1 (collagen type III alpha 1 chain; plus strand). Cytogenetic location: 2q32.2.
Variant type: single nucleotide variant.
Coding change: c.1480G>T on transcript NM_000090.4 (MANE Select); coding-DNA position 1480, G replaced by T.
Protein change: p.Ala494Ser; replaces alanine 494 with serine.
Molecular consequence: missense variant.
Genome position (GRCh38, 1-based): chr2:188,995,070, G>T. VCF-style: chr2-188995070-G-T. GRCh37 (hg19) VCF-style: chr2-189859796-G-T.
Other names: short protein forms A494S.
Identifiers: ClinVar variation 920942 (VCV000920942.4), dbSNP rs200866608, ClinGen allele CA349852013.

ClinVar aggregate classification (germline): Uncertain significance (1 of 4 stars; one submission).

Conditions:
Familial thoracic aortic aneurysm and aortic dissection (TAAD). Also called: Thoracic aortic aneurysms and dissections. Identifiers: Orphanet 91387, MedGen C4707243, MONDO:0019625.

Submission:

Color Diagnostics, LLC DBA Color Health
Classification: Uncertain significance for Familial thoracic aortic aneurysm and aortic dissection. Last evaluated: 2024-03-06. Review status: criteria provided, single submitter. Criteria: ACMG Guidelines, 2015. Collection method: clinical testing. Allele origin: germline.
Comment: This missense variant replaces alanine with serine at codon 494 of the COL3A1 protein. Computational prediction suggests that this variant may not impact protein structure and function (internally defined REVEL score threshold <= 0.5, PMID: 27666373). Splice site prediction tools suggest that this variant may not impact RNA splicing. To our knowledge, functional studies have not been reported for this variant. This variant has not been reported in individuals affected with cardiovascular disorders in the literature. This variant has not been identified in the general population by the Genome Aggregation Database (gnomAD). The available evidence is insufficient to determine the role of this variant in disease conclusively. Therefore, this variant is classified as a Variant of Uncertain Significance.